The following continues an entry in ClinVar:

NM_001127222.2(CACNA1A):c.4043G>A (p.Arg1348Gln)

Gene: CACNA1A. ClinVar aggregate classification (germline): Pathogenic/Likely pathogenic. Pathogenic (18); Likely pathogenic (1).

Submissions 13 to 23 of 23:

Foundation for Research in Genetics and Endocrinology, FRIGE's Institute of Human Genetics
Classification: Pathogenic for Developmental and epileptic encephalopathy, 42; Episodic ataxia type 2. Last evaluated: 2020-02-20. Review status: criteria provided, single submitter. Criteria: ACMG Guidelines, 2015. Collection method: clinical testing. Allele origin: germline. Inheritance: Autosomal dominant inheritance. Affected: yes. Observed: 1 heterozygote.
Comment: A heterozygous missense variant c.4043G>A in exon 25 of the CACNA1A gene that results in the amino acid substitution of Glutamine for Arginine at codon 1348 was detected. The observed variant has not been reported in the 1000 Genomes and ExAC databases. The observed variant lies in the Ion transport protein domain of the CACNA1A protein and has previously been reported (as Arg1350Gln) in patients affected with congenital cerebellar ataxia (Bahamonde et al.2015) and is a current de novo variant reported in multiple unrelated individuals affected with ataxia and developmental delay (ClinVar). The in silico prediction of the variant are probably damaging by PolyPhen-2 (HumDiv) and damaging by SIFT, LRT and MutationTaster2. The reference codon is conserved across species. In summary, the variant meets our criteria to be classified as pathogenic.

Broad Center for Mendelian Genomics, Broad Institute of MIT and Harvard
Classification: Pathogenic for Developmental and epileptic encephalopathy, 42. Last evaluated: 2018-11-15. Review status: criteria provided, single submitter. Criteria: ACMG Guidelines, 2015. Collection method: research. Allele origin: germline. Inheritance: Autosomal dominant inheritance. Affected: yes.
Comment: The p.Arg1348Gln variant is pathogenic based off of multiple reports in ClinVar and the literature.

Fulgent Genetics
Classification: Pathogenic for Episodic ataxia type 2; Migraine, familial hemiplegic, 1; Spinocerebellar ataxia type 6; Developmental and epileptic encephalopathy, 42. Last evaluated: 2018-10-31. Review status: criteria provided, single submitter. Criteria: ACMG Guidelines, 2015. Collection method: clinical testing. Allele origin: unknown.

Genetic Services Laboratory, University of Chicago
Classification: Pathogenic. Last evaluated: 2018-01-09. Review status: criteria provided, single submitter. Criteria: ACMG Guidelines, 2015. Collection method: clinical testing. Allele origin: germline. Affected: yes.

Ambry Genetics
Classification: Pathogenic for Inborn genetic diseases. Last evaluated: 2015-10-22. Review status: criteria provided, single submitter. Criteria: Ambry exome assertion method (8-5-2015). Collection method: clinical testing. Allele origin: germline. Affected: yes. Observed: 3 variant alleles. Clinical features observed: Seizures (HP:0001250), Scoliosis (HP:0002650), Global developmental delay (HP:0001263), Muscular hypotonia (HP:0001252), Vertical nystagmus (HP:0010544), Chronic constipation (HP:0012450), High anterior hairline (HP:0009890), Neurogenic bladder (HP:0000011), Precocious puberty (HP:0000826), Status epilepticus (HP:0002133), Vesicoureteral reflux (HP:0000076), Retrognathia (HP:0000278), and 21 more.

CENTOGENE GmbH and LLC - Guiding Precision Medicine
Classification: Pathogenic for Spinocerebellar ataxia type 6. Review status: criteria provided, single submitter. Criteria: ACMG Guidelines, 2015. Collection method: clinical testing. Allele origin: germline. Affected: yes.

Kasturba Medical College, Manipal, Kasturba Medical College, Manipal, Manipal Academy of Higher Education, Manipal, India
Classification: Likely pathogenic for Developmental and epileptic encephalopathy, 42. Review status: criteria provided, single submitter. Criteria: ACMG Guidelines, 2015. Collection method: clinical testing. Allele origin: de novo. Inheritance: Autosomal dominant inheritance. Affected: yes. Observed: 1 heterozygote.

Undiagnosed Diseases Network, NIH
Classification: Pathogenic for Developmental and epileptic encephalopathy, 42. Last evaluated: 2023-09-26. Review status: no assertion criteria provided. Collection method: clinical testing. Allele origin: de novo. Affected: yes. Observed: 1 variant allele, 1 heterozygote. Study: Undiagnosed Diseases Network (NIH), UDN. Not counted in ClinVar's aggregate classification.

Clinical Genetics Laboratory, University Hospital Schleswig-Holstein
Classification: Pathogenic for Developmental and epileptic encephalopathy, 42. Last evaluated: 2022-09-21. Review status: no assertion criteria provided. Collection method: clinical testing. Allele origin: de novo. Affected: yes. Not counted in ClinVar's aggregate classification.

Oxford Medical Genetics Laboratories, Oxford University Hospitals NHS Foundation Trust
Classification: Pathogenic for Developmental and epileptic encephalopathy, 42. Last evaluated: 2019-05-03. Review status: no assertion criteria provided. Collection method: clinical testing. Allele origin: de novo. Affected: yes. Not counted in ClinVar's aggregate classification.

Cytogénomique, Hospices Civils de Lyon
Classification: Pathogenic for Developmental and epileptic encephalopathy, 42. Review status: no assertion criteria provided. Collection method: clinical testing. Allele origin: unknown. Inheritance: Autosomal dominant inheritance. Affected: yes. Not counted in ClinVar's aggregate classification.

Literature cited by the submitters: PubMed 20097664 (cited by 4 submitters); PubMed 39533303 (cited by 3billion); PubMed 25758715 (cited by 3 submitters); PubMed 33528536 (cited by Women's Health and Genetics/Laboratory Corporation of America, LabCorp); PubMed 34102571 (cited by 3 submitters); PubMed 21183743 (cited by 3 submitters); PubMed 19811514 (cited by Athena Diagnostics and Ambry Genetics); PubMed 23831250 (cited by 3 submitters); PubMed 31139143 (cited by Athena Diagnostics and Labcorp Genetics (formerly Invitae), Labcorp); PubMed 28007337 (cited by Athena Diagnostics and Labcorp Genetics (formerly Invitae), Labcorp); PubMed 26814174 (cited by 3 submitters); PubMed 25596066 (cited by Athena Diagnostics and Ambry Genetics); PubMed 18597946 (cited by Athena Diagnostics); PubMed 22249839 (cited by Ambry Genetics).